The following is an entry in ClinVar:

ClinVar aggregate classification (germline): Uncertain significance. Review status: criteria provided, multiple submitters, no conflicts (2 of 4 stars). 2 submissions from 2 submitters: Uncertain significance (2). Last evaluated 2026-09-09.

Conditions:
Cardiovascular phenotype. Identifiers: MedGen CN230736.
Long QT syndrome (LQTS). Identifiers: MedGen C0023976, MeSH D008133, MONDO:0002442. Disease mechanism: loss of function. Inheritance: Various modes of inheritance.

Allele frequency attached by ClinVar (database versions not stated): gnomAD exomes below 0.00001; ESP Exome Variant Server 0.00008; TOPMed 0.00002; gnomAD 0.00001.
gnomAD v4.1: 4 of 1,613,896 alleles (0.00025%); highest among the groups gnomAD compares: African/African-American, 0.0053%; no homozygotes.

Submissions (2):

Ambry Genetics
Classification: Uncertain significance for Cardiovascular phenotype. Last evaluated: 2026-09-09. Review status: criteria provided, single submitter. Criteria: Ambry Variant Classification Scheme 2023. Collection method: clinical testing. Allele origin: germline.
Comment: The c.2228T>C (p.M743T) alteration is located in exon 20 (coding exon 20) of the ANK2 gene. This alteration results from a T to C substitution at nucleotide position 2228, causing the methionine (M) at amino acid position 743 to be replaced by a threonine (T). Based on data from gnomAD, the C allele has an overall frequency of 0.003% (1/31396) total alleles studied. The highest observed frequency was 0.012% (1/8712) of African alleles. Based on insufficient or conflicting evidence, the clinical significance of this alteration remains unclear.

Labcorp Genetics (formerly Invitae), Labcorp
Classification: Uncertain significance for Long QT syndrome. Last evaluated: 2025-04-24. Review status: criteria provided, single submitter. Criteria: Invitae Variant Classification Sherloc (09022015). Collection method: clinical testing. Allele origin: germline.
Comment: This sequence change replaces methionine, which is neutral and non-polar, with threonine, which is neutral and polar, at codon 743 of the ANK2 protein (p.Met743Thr). This variant is present in population databases (rs147053743, gnomAD 0.01%). This variant has not been reported in the literature in individuals affected with ANK2-related conditions. ClinVar contains an entry for this variant (Variation ID: 1499721). Invitae Evidence Modeling of protein sequence and biophysical properties (such as structural, functional, and spatial information, amino acid conservation, physicochemical variation, residue mobility, and thermodynamic stability) indicates that this missense variant is not expected to disrupt ANK2 protein function with a negative predictive value of 80%. In summary, the available evidence is currently insufficient to determine the role of this variant in disease. Therefore, it has been classified as a Variant of Uncertain Significance.

NM_001148.6(ANK2):c.2228T>C (p.Met743Thr)

Gene: ANK2 (ankyrin 2; plus strand). Cytogenetic location: 4q26.
Variant type: single nucleotide variant.
Coding change: c.2228T>C on transcript NM_001148.6 (MANE Select); coding-DNA position 2228, T replaced by C.
Protein change: p.Met743Thr; replaces methionine 743 with threonine.
Molecular consequence: missense variant.
Genome position (GRCh38, 1-based): chr4:113,288,437, T>C. VCF-style: chr4-113288437-T-C. GRCh37 (hg19) VCF-style: chr4-114209593-T-C.
Other names: c.2165T>C, p.Met722Thr (NM_001127493.3, NM_001354239.2, NM_001354243.2 and 10 more transcripts); c.2228T>C, p.Met743Thr (NM_001354225.2, NM_001354228.2, NM_001354232.2 and 6 more transcripts); c.2273T>C, p.Met758Thr (NM_001354230.2, NM_001354231.2, NM_001354237.2 and 5 more transcripts); c.2129T>C, p.Met710Thr (NM_001354245.2, NM_001354268.2); c.2141T>C, p.Met714Thr (NM_001354249.2, NM_001354267.2, NM_001354274.2 and 10 more transcripts); c.2066T>C, p.Met689Thr (NM_001354253.2, NM_001354270.2, NM_001386156.1 and 1 more transcripts); c.2018T>C, p.Met673Thr (NM_001354269.3); c.2042T>C, p.Met681Thr (NM_001354271.2, NM_001386151.1, NM_001354260.2); and 9 more; short protein forms M760T, M689T, M710T, M729T, M739T, M648T, M677T, M681T.
Identifiers: ClinVar variation 1499721 (VCV001499721.10), dbSNP rs147053743, ClinGen allele CA103792740.